The following is an entry in ClinVar:

ClinVar aggregate classification (germline): Likely benign (1 of 4 stars; one submission).

gnomAD v4.1: 38 of 1,611,602 alleles (0.0024%); highest among the groups gnomAD compares: Non-Finnish European, 0.003%; no homozygotes.

Submission:

CeGaT Center for Human Genetics Tuebingen
Classification: Likely benign. Last evaluated: 2026-06-01. Review status: criteria provided, single submitter. Criteria: CeGaT Center For Human Genetics Tuebingen Variant Classification Criteria Version 2. Collection method: clinical testing. Allele origin: germline. Affected: yes. Observed: 1 variant allele.
Comment: PPFIA3: BP4, BS2

NM_003660.4(PPFIA3):c.1246-3C>T

Gene: PPFIA3 (PPFI scaffold protein A3; plus strand). Cytogenetic location: 19q13.33.
Variant type: single nucleotide variant.
Coding change: c.1246-3C>T on transcript NM_003660.4 (MANE Select); 3 bases into the intron before coding-DNA position 1246, C replaced by T.
Molecular consequence: intron variant.
Genome position (GRCh38, 1-based): chr19:49,134,031, C>T. VCF-style: chr19-49134031-C-T. GRCh37 (hg19) VCF-style: chr19-49637288-C-T.
Identifiers: ClinVar variation 4873521 (VCV004873521.2).
Genomic context (GRCh38, chr19:49,134,031, plus strand): 5'-AGAGGAAGGGCCGTGGTCTGGGCAGGGTGGGCTTAACAACCCGCCCCGCTCTGCTTTGCG[C>T]AGGCCCGGCAGCGGGAGAAGATGAACGATGACCACAATAAGCGGCTGTCCGAGACGGTGG-3'